The following is an entry in ClinVar:

ClinVar aggregate classification (germline): Uncertain significance (1 of 4 stars; one submission).

Conditions:
Microcephaly, normal intelligence and immunodeficiency (NBS). Also called: IMMUNODEFICIENCY, MICROCEPHALY, AND CHROMOSOMAL INSTABILITY; Immunodeficiency, microcephaly with normal intelligence; SEEMANOVA SYNDROME II; Ataxia telangiectasia variant V1; Microcephaly with normal intelligence immunodeficiency and lymphoreticular malignancies; Nonsyndromal microcephaly autosomal recessive with normal intelligence. Identifiers: Orphanet 647, MedGen C0398791, MONDO:0009623, OMIM 251260.

Submission:

Labcorp Genetics (formerly Invitae), Labcorp
Classification: Uncertain significance for Microcephaly, normal intelligence and immunodeficiency. Last evaluated: 2023-04-17. Review status: criteria provided, single submitter. Criteria: Invitae Variant Classification Sherloc (09022015). Collection method: clinical testing. Allele origin: germline.
Comment: Algorithms developed to predict the effect of sequence changes on RNA splicing suggest that this variant may disrupt the consensus splice site. This sequence change replaces cysteine, which is neutral and slightly polar, with arginine, which is basic and polar, at codon 116 of the NBN protein (p.Cys116Arg). This variant is not present in population databases (gnomAD no frequency). This variant has not been reported in the literature in individuals affected with NBN-related conditions. ClinVar contains an entry for this variant (Variation ID: 646607). An algorithm developed to predict the effect of missense changes on protein structure and function (PolyPhen-2) suggests that this variant is likely to be disruptive. In summary, the available evidence is currently insufficient to determine the role of this variant in disease. Therefore, it has been classified as a Variant of Uncertain Significance.

NM_002485.5(NBN):c.346T>C (p.Cys116Arg)

Gene: NBN (nibrin; minus strand). Cytogenetic location: 8q21.3.
Variant type: single nucleotide variant.
Coding change: c.346T>C on transcript NM_002485.5 (MANE Select); coding-DNA position 346, T replaced by C.
Protein change: p.Cys116Arg; replaces cysteine 116 with arginine.
Molecular consequence: missense variant.
Genome position (GRCh38, 1-based): chr8:89,980,868, A>G on the plus strand (T>C on the coding strand, the complement: NBN is on the minus strand). VCF-style: chr8-89980868-A-G. GRCh37 (hg19) VCF-style: chr8-90993096-A-G.
Other names: c.100T>C, p.Cys34Arg (NM_001024688.3); short protein forms C34R, C116R.
Identifiers: ClinVar variation 646607 (VCV000646607.8), dbSNP rs1586107344, ClinGen allele CA371662116.
Genomic context (GRCh38, chr8:89,980,868, plus strand): 5'-CAAGTTGCAATATAGCTTGATTTAAAGCAGTTTTCCCAGAGACATCTAAACAAGAAGAGC[A>G]TGCAACCAAAGGCTCATACTCTATTCTGTAAATGAGAATAAGTTAAATAAAGTCATAGTA-3'
Protein context (NP_002476.2, residues 106-126): FRIEYEPLVA[Cys116Arg]SSCLDVSGKT